The following is an entry in ClinVar:

ClinVar aggregate classification (germline): Uncertain significance (1 of 4 stars; one submission).

Conditions:
Inborn genetic diseases. Identifiers: MedGen C0950123, MeSH D030342.

Submission:

Ambry Genetics
Classification: Uncertain significance for Inborn genetic diseases. Last evaluated: 2021-03-24. Review status: criteria provided, single submitter. Criteria: Ambry Variant Classification Scheme 2023. Collection method: clinical testing. Allele origin: germline.
Comment: The c.4222C>T (p.R1408C) alteration is located in exon 10 (coding exon 9) of the DCHS1 gene. This alteration results from a C to T substitution at nucleotide position 4222, causing the arginine (R) at amino acid position 1408 to be replaced by a cysteine (C). The p.R1408C alteration is predicted to be tolerated by in silico analysis. Based on insufficient or conflicting evidence, the clinical significance of this alteration remains unclear.

NM_003737.4(DCHS1):c.4222C>T (p.Arg1408Cys)

Gene: DCHS1 (dachsous cadherin-related 1; minus strand). Cytogenetic location: 11p15.4.
Variant type: single nucleotide variant.
Coding change: c.4222C>T on transcript NM_003737.4 (MANE Select); coding-DNA position 4222, C replaced by T.
Protein change: p.Arg1408Cys; replaces arginine 1408 with cysteine.
Molecular consequence: missense variant.
Genome position (GRCh38, 1-based): chr11:6,630,572, G>A on the plus strand (C>T on the coding strand, the complement: DCHS1 is on the minus strand). VCF-style: chr11-6630572-G-A. GRCh37 (hg19) VCF-style: chr11-6651803-G-A.
Other names: short protein forms R1408C.
Identifiers: ClinVar variation 2229701 (VCV002229701.2), dbSNP rs772193454, ClinGen allele CA5860360.